The following is an entry in ClinVar:

ClinVar aggregate classification (germline): Uncertain significance (1 of 4 stars; one submission).

Submission:

Labcorp Genetics (formerly Invitae), Labcorp
Classification: Uncertain significance. Last evaluated: 2023-06-23. Review status: criteria provided, single submitter. Criteria: Invitae Variant Classification Sherloc (09022015). Collection method: clinical testing. Allele origin: germline.
Comment: An algorithm developed to predict the effect of missense changes on protein structure and function (PolyPhen-2) suggests that this variant is likely to be disruptive. This sequence change replaces serine, which is neutral and polar, with tryptophan, which is neutral and slightly polar, at codon 82 of the AUTS2 protein (p.Ser82Trp). This variant is not present in population databases (gnomAD no frequency). This variant has not been reported in the literature in individuals affected with AUTS2-related conditions. In summary, the available evidence is currently insufficient to determine the role of this variant in disease. Therefore, it has been classified as a Variant of Uncertain Significance.

NM_015570.4(AUTS2):c.245C>G (p.Ser82Trp)

Gene: AUTS2 (activator of transcription and developmental regulator AUTS2; plus strand). Cytogenetic location: 7q11.22.
Variant type: single nucleotide variant.
Coding change: c.245C>G on transcript NM_015570.4 (MANE Select); coding-DNA position 245, C replaced by G.
Protein change: p.Ser82Trp; replaces serine 82 with tryptophan.
Molecular consequence: missense variant.
Genome position (GRCh38, 1-based): chr7:69,599,898, C>G. VCF-style: chr7-69599898-C-G. GRCh37 (hg19) VCF-style: chr7-69064884-C-G.
Other names: c.245C>G, p.Ser82Trp (NM_001127231.3, NM_001127232.3); short protein forms S82W.
Identifiers: ClinVar variation 2724987 (VCV002724987.3), dbSNP rs2129067571, ClinGen allele CA367703145.